The following is an entry in ClinVar:

NM_001270974.2(HYDIN):c.212G>A (p.Arg71Gln)

Gene: HYDIN (HYDIN axonemal central pair apparatus protein; minus strand). Cytogenetic location: 16q22.2.
Variant type: single nucleotide variant.
Coding change: c.212G>A on transcript NM_001270974.2 (MANE Select); coding-DNA position 212, G replaced by A.
Protein change: p.Arg71Gln; replaces arginine 71 with glutamine.
Molecular consequence: missense variant.
Genome position (GRCh38, 1-based): chr16:71,184,914, C>T on the plus strand (G>A on the coding strand, the complement: HYDIN is on the minus strand). VCF-style: chr16-71184914-C-T. GRCh37 (hg19) VCF-style: chr16-71218817-C-T.
Other names: c.293G>A, p.Arg98Gln (NM_001198542.1); c.263G>A, p.Arg88Gln (NM_001198543.1); c.212G>A, p.Arg71Gln (NM_017558.5); short protein forms R71Q, R88Q, R98Q.
Identifiers: ClinVar variation 636461 (VCV000636461.3), dbSNP rs529769407, ClinGen allele CA8151655.

ClinVar aggregate classification (germline): Uncertain significance. Review status: criteria provided, single submitter (1 of 4 stars). 2 submissions from 2 submitters: Uncertain significance (1). 1 of the submissions does not count toward it. Last evaluated 2024-04-09.

Conditions:
HYDIN-related disorder. Also called: HYDIN-related condition.

Allele frequency attached by ClinVar (database versions not stated): gnomAD below 0.00001 and 0.00010; TOPMed 0.00002; gnomAD exomes 0.00019 and 0.00037; ExAC 0.00043; 1000 Genomes Project 30x 0.00078; 1000 Genomes Project 0.00100.
gnomAD v4.1: 293 of 1,609,786 alleles (0.018%); highest among the groups gnomAD compares: South Asian, 0.29%; 5 homozygotes.

Submissions (2):

Blueprint Genetics
Classification: Uncertain significance. Last evaluated: 2024-04-09. Review status: criteria provided, single submitter. Criteria: ACMG Guidelines, 2015. Collection method: clinical testing. Allele origin: germline.

PreventionGenetics, part of Exact Sciences
Classification: Likely benign for HYDIN-related condition. Last evaluated: 2024-05-05. Review status: no assertion criteria provided. Collection method: clinical testing. Allele origin: germline. Not counted in ClinVar's aggregate classification.
Comment: This variant is classified as likely benign based on ACMG/AMP sequence variant interpretation guidelines (Richards et al. 2015 PMID: 25741868, with internal and published modifications).